The following is an entry in ClinVar:

ClinVar aggregate classification (germline): Benign. Review status: criteria provided, multiple submitters, no conflicts (2 of 4 stars). 2 submissions from 2 submitters: Benign (2). Last evaluated 2026-02-02.

Conditions:
Dyskeratosis congenita, autosomal dominant 2. Identifiers: MedGen C3151443, MONDO:0013521, OMIM 613989.
Idiopathic Pulmonary Fibrosis. Also called: Idiopathic fibrosing alveolitis, chronic form; idiopathic fibrosing alveolitis. Identifiers: Orphanet 2032, MedGen C1800706, MeSH D054990, MONDO:0800504.

Allele frequency attached by ClinVar (database versions not stated): TOPMed 0.53373; 1000 Genomes Project 0.43431; 1000 Genomes Project 30x 0.43879; gnomAD 0.54966 and 0.54390.
gnomAD v4.1: 82,867 of 152,090 alleles (54%); highest among the groups gnomAD compares: Non-Finnish European, 65%; 23,749 homozygotes.

Submissions (2):

Labcorp Genetics (formerly Invitae), Labcorp
Classification: Benign for Dyskeratosis congenita, autosomal dominant 2; Idiopathic Pulmonary Fibrosis. Last evaluated: 2026-02-02. Review status: criteria provided, single submitter. Criteria: Invitae Variant Classification Sherloc (09022015). Collection method: clinical testing. Allele origin: germline.

GeneDx
Classification: Benign. Last evaluated: 2018-09-14. Review status: criteria provided, single submitter. Criteria: GeneDx Variant Classification Process June 2021. Collection method: clinical testing. Allele origin: germline. Affected: yes.
Comment: This variant is associated with the following publications: (PMID: 22948024)

NM_198253.3(TERT):c.2654+269T>C

Gene: TERT (telomerase reverse transcriptase; minus strand). Cytogenetic location: 5p15.33.
Variant type: single nucleotide variant.
Coding change: c.2654+269T>C on transcript NM_198253.3 (MANE Select); 269 bases into the intron after coding-DNA position 2654, T replaced by C.
Molecular consequence: intron variant.
Genome position (GRCh38, 1-based): chr5:1,266,195, A>G on the plus strand (T>C on the coding strand, the complement: TERT is on the minus strand). VCF-style: chr5-1266195-A-G. GRCh37 (hg19) VCF-style: chr5-1266310-A-G.
Other names: c.2654+269T>C (NM_001193376.3).
Identifiers: ClinVar variation 539247 (VCV000539247.14), dbSNP rs2075786, ClinGen allele CA11957802.